The following is an entry in ClinVar:

ClinVar aggregate classification (germline): Uncertain significance (1 of 4 stars; one submission).

Conditions:
Immunodeficiency, common variable, 7. Identifiers: Orphanet 1572, Orphanet 696894, MedGen C3542922, MONDO:0013862, OMIM 614699.

Submission:

Labcorp Genetics (formerly Invitae), Labcorp
Classification: Uncertain significance for Immunodeficiency, common variable, 7. Last evaluated: 2022-03-08. Review status: criteria provided, single submitter. Criteria: Invitae Variant Classification Sherloc (09022015). Collection method: clinical testing. Allele origin: germline.
Comment: In summary, the available evidence is currently insufficient to determine the role of this variant in disease. Therefore, it has been classified as a Variant of Uncertain Significance. Algorithms developed to predict the effect of missense changes on protein structure and function output the following: SIFT: "Tolerated"; PolyPhen-2: "Benign"; Align-GVGD: "Class C0". The serine amino acid residue is found in multiple mammalian species, which suggests that this missense change does not adversely affect protein function. This variant has not been reported in the literature in individuals affected with CR2-related conditions. This variant is not present in population databases (gnomAD no frequency). This sequence change replaces asparagine, which is neutral and polar, with serine, which is neutral and polar, at codon 801 of the CR2 protein (p.Asn801Ser).

NM_001006658.3(CR2):c.2402A>G (p.Asn801Ser)

Gene: CR2 (complement C3d receptor 2; plus strand). Cytogenetic location: 1q32.2.
Variant type: single nucleotide variant.
Coding change: c.2402A>G on transcript NM_001006658.3 (MANE Select); coding-DNA position 2402, A replaced by G.
Protein change: p.Asn801Ser; replaces asparagine 801 with serine.
Molecular consequence: missense variant.
Genome position (GRCh38, 1-based): chr1:207,474,902, A>G. VCF-style: chr1-207474902-A-G. GRCh37 (hg19) VCF-style: chr1-207648247-A-G.
Other names: c.2225A>G, p.Asn742Ser (NM_001877.5); short protein forms N801S, N742S.
Identifiers: ClinVar variation 1413639 (VCV001413639.8), dbSNP rs2102307506, ClinGen allele CA344537680.